The following is an entry in ClinVar:

NM_000525.4(KCNJ11):c.435C>T (p.Ala145=)

Gene: KCNJ11 (potassium inwardly rectifying channel subfamily J member 11; minus strand). Cytogenetic location: 11p15.1.
Variant type: single nucleotide variant.
Coding change: c.435C>T on transcript NM_000525.4 (MANE Select); coding-DNA position 435, C replaced by T.
Protein change: p.Ala145=; no amino-acid change (alanine 145 retained).
Molecular consequence: synonymous variant.
Genome position (GRCh38, 1-based): chr11:17,387,657, G>A on the plus strand (C>T on the coding strand, the complement: KCNJ11 is on the minus strand). VCF-style: chr11-17387657-G-A. GRCh37 (hg19) VCF-style: chr11-17409204-G-A.
Other names: c.435C>T (NM_000525.3); c.174C>T, p.Ala58= (NM_001166290.2, NM_001377296.1, NM_001377297.1).
Identifiers: ClinVar variation 1539687 (VCV001539687.10), dbSNP rs1489207595, ClinGen allele CA473515556.

ClinVar aggregate classification (germline): Likely benign. Review status: criteria provided, single submitter (1 of 4 stars). 2 submissions from 2 submitters: Likely benign (1). 1 of the submissions does not count toward it. Last evaluated 2021-10-16.

Conditions:
KCNJ11-related disorder. Also called: KCNJ11-related disorders; KCNJ11-related condition.

Allele frequency attached by ClinVar (database versions not stated): gnomAD 0.00001; TOPMed 0.00002.
gnomAD v4.1: 2 of 1,613,936 alleles (0.00012%); highest among the groups gnomAD compares: African/African-American, 0.0013%; no homozygotes.

Submissions (2):

Labcorp Genetics (formerly Invitae), Labcorp
Classification: Likely benign. Last evaluated: 2021-10-16. Review status: criteria provided, single submitter. Criteria: Invitae Variant Classification Sherloc (09022015). Collection method: clinical testing. Allele origin: germline.

PreventionGenetics, part of Exact Sciences
Classification: Likely benign for KCNJ11-related condition. Last evaluated: 2024-02-06. Review status: no assertion criteria provided. Collection method: clinical testing. Allele origin: germline. Not counted in ClinVar's aggregate classification.
Comment: This variant is classified as likely benign based on ACMG/AMP sequence variant interpretation guidelines (Richards et al. 2015 PMID: 25741868, with internal and published modifications).